The following is an entry in ClinVar:

ClinVar aggregate classification (germline): Uncertain significance (1 of 4 stars; one submission).

Submission:

Labcorp Genetics (formerly Invitae), Labcorp
Classification: Uncertain significance. Last evaluated: 2025-01-13. Review status: criteria provided, single submitter. Criteria: Invitae Variant Classification Sherloc (09022015). Collection method: clinical testing. Allele origin: germline.
Comment: This sequence change replaces proline, which is neutral and non-polar, with serine, which is neutral and polar, at codon 73 of the LIPG protein (p.Pro73Ser). This variant is present in population databases (rs756080340, gnomAD 0.01%). This variant has not been reported in the literature in individuals affected with LIPG-related conditions. An algorithm developed to predict the effect of missense changes on protein structure and function outputs the following: PolyPhen-2: "Benign". The serine amino acid residue is found in multiple mammalian species, which suggests that this missense change does not adversely affect protein function. In summary, the available evidence is currently insufficient to determine the role of this variant in disease. Therefore, it has been classified as a Variant of Uncertain Significance.

NM_006033.4(LIPG):c.217C>T (p.Pro73Ser)

Gene: LIPG (lipase G, endothelial type; plus strand). Cytogenetic location: 18q21.1.
Variant type: single nucleotide variant.
Coding change: c.217C>T on transcript NM_006033.4 (MANE Select); coding-DNA position 217, C replaced by T.
Protein change: p.Pro73Ser; replaces proline 73 with serine.
Molecular consequence: missense variant.
Genome position (GRCh38, 1-based): chr18:49,565,436, C>T. VCF-style: chr18-49565436-C-T. GRCh37 (hg19) VCF-style: chr18-47091806-C-T.
Other names: c.217C>T, p.Pro73Ser (NM_001308006.2); short protein forms P73S.
Identifiers: ClinVar variation 3613252 (VCV003613252.2).
Genomic context (GRCh38, chr18:49,565,436, plus strand): 5'-CTCCGCACCTCCAAGGACCCAGAGCATGAAGGATGCTACCTCTCCGTCGGCCACAGCCAG[C>T]CCTTAGAAGACTGCAGTTTCAACATGACAGCTAAAACCTTTTTCATCATTCACGGATGGA-3'
Protein context (NP_006024.1, residues 63-83): GCYLSVGHSQ[Pro73Ser]LEDCSFNMTA